The following is an entry in ClinVar:

NM_001042492.3(NF1):c.1967C>T (p.Ala656Val)

Gene: NF1 (neurofibromin 1; plus strand). Cytogenetic location: 17q11.2.
Variant type: single nucleotide variant.
Coding change: c.1967C>T on transcript NM_001042492.3 (MANE Select); coding-DNA position 1967, C replaced by T.
Protein change: p.Ala656Val; replaces alanine 656 with valine.
Molecular consequence: missense variant.
Genome position (GRCh38, 1-based): chr17:31,225,216, C>T. VCF-style: chr17-31225216-C-T. GRCh37 (hg19) VCF-style: chr17-29552234-C-T.
Other names: c.1967C>T, p.Ala656Val (NM_000267.4); short protein forms A656V.
Identifiers: ClinVar variation 1355296 (VCV001355296.8), dbSNP rs775414476, ClinGen allele CA399005538.

ClinVar aggregate classification (germline): Uncertain significance (1 of 4 stars; one submission).

Conditions:
Neurofibromatosis, type 1 (NF1). Also called: NEUROFIBROMATOSIS, TYPE I, SOMATIC; VON RECKLINGHAUSEN DISEASE; Neurofibromatosis, type I; Peripheral type neurofibromatosis. Identifiers: Orphanet 636, MedGen C0027831, MONDO:0018975, OMIM 162200. Disease mechanism: loss of function.

Submission:

Labcorp Genetics (formerly Invitae), Labcorp
Classification: Uncertain significance for Neurofibromatosis, type 1. Last evaluated: 2021-05-19. Review status: criteria provided, single submitter. Criteria: Invitae Variant Classification Sherloc (09022015). Collection method: clinical testing. Allele origin: germline.
Comment: In summary, the available evidence is currently insufficient to determine the role of this variant in disease. Therefore, it has been classified as a Variant of Uncertain Significance. Advanced modeling of protein sequence and biophysical properties (such as structural, functional, and spatial information, amino acid conservation, physicochemical variation, residue mobility, and thermodynamic stability) performed at Invitae indicates that this missense variant is not expected to disrupt NF1 protein function. This variant has not been reported in the literature in individuals with NF1-related conditions. This variant is not present in population databases (ExAC no frequency). This sequence change replaces alanine with valine at codon 656 of the NF1 protein (p.Ala656Val). The alanine residue is moderately conserved and there is a small physicochemical difference between alanine and valine.